The following is an entry in ClinVar:

NM_002439.5(MSH3):c.637T>G (p.Leu213Val)

Gene: MSH3 (mutS homolog 3; plus strand). Cytogenetic location: 5q14.1.
Variant type: single nucleotide variant.
Coding change: c.637T>G on transcript NM_002439.5 (MANE Select); coding-DNA position 637, T replaced by G.
Protein change: p.Leu213Val; replaces leucine 213 with valine.
Molecular consequence: missense variant.
Genome position (GRCh38, 1-based): chr5:80,670,154, T>G. VCF-style: chr5-80670154-T-G. GRCh37 (hg19) VCF-style: chr5-79965973-T-G.
Other names: short protein forms L213V.
Identifiers: ClinVar variation 1753173 (VCV001753173.2), dbSNP rs1749671543, ClinGen allele CA360266525.

ClinVar aggregate classification (germline): Uncertain significance (1 of 4 stars; one submission).

Conditions:
Hereditary cancer-predisposing syndrome. Also called: Neoplastic Syndromes, Hereditary; Tumor predisposition; Hereditary Cancer Syndrome; Hereditary neoplastic syndrome. Identifiers: Orphanet 140162, MedGen C0027672, MeSH D009386, MONDO:0015356.

Allele frequency attached by ClinVar (database versions not stated): gnomAD 0.00001.
gnomAD v4.1: 1 of 1,614,022 alleles (0.000062%); highest among the groups gnomAD compares: African/African-American, 0.0013%; no homozygotes.

Submission:

Ambry Genetics
Classification: Uncertain significance for Hereditary cancer-predisposing syndrome. Last evaluated: 2022-05-12. Review status: criteria provided, single submitter. Criteria: Ambry Variant Classification Scheme 2023. Collection method: clinical testing. Allele origin: germline.
Comment: The p.L213V variant (also known as c.637T>G), located in coding exon 4 of the MSH3 gene, results from a T to G substitution at nucleotide position 637. The leucine at codon 213 is replaced by valine, an amino acid with highly similar properties. This amino acid position is conserved. In addition, this alteration is predicted to be tolerated by in silico analysis. Since supporting evidence is limited at this time, the clinical significance of this alteration remains unclear.